The following is an entry in ClinVar:

ClinVar aggregate classification (germline): Benign/Likely benign. Review status: criteria provided, multiple submitters, no conflicts (2 of 4 stars). 3 submissions from 3 submitters: Benign (1); Likely benign (1). 1 of the submissions does not count toward it. Last evaluated 2025-12-01.

Conditions:
KCNQ1-related disorder. Also called: KCNQ1-related disorders; KCNQ1-related condition. Identifiers: MedGen CN239322.

Allele frequency attached by ClinVar (database versions not stated): 1000 Genomes Project 30x 0.00078; 1000 Genomes Project 0.00120; TOPMed 0.00156; gnomAD 0.00205.
gnomAD v4.1: 923 of 398,616 alleles (0.23%); highest among the groups gnomAD compares: Non-Finnish European, 0.32%; 1 homozygote.

Submissions (3):

CeGaT Center for Human Genetics Tuebingen
Classification: Benign. Last evaluated: 2025-12-01. Review status: criteria provided, single submitter. Criteria: CeGaT Center For Human Genetics Tuebingen Variant Classification Criteria Version 2. Collection method: clinical testing. Allele origin: germline. Affected: yes. Observed: 13 variant alleles.
Comment: KCNQ1OT1: BS1, BS2

Blueprint Genetics
Classification: Likely benign. Last evaluated: 2024-11-11. Review status: criteria provided, single submitter. Criteria: ACMG Guidelines, 2015. Collection method: clinical testing. Allele origin: germline.

PreventionGenetics, part of Exact Sciences
Classification: Likely benign for KCNQ1-related condition. Last evaluated: 2022-06-24. Review status: no assertion criteria provided. Collection method: clinical testing. Allele origin: germline. Not counted in ClinVar's aggregate classification.
Comment: This variant is classified as likely benign based on ACMG/AMP sequence variant interpretation guidelines (Richards et al. 2015 PMID: 25741868, with internal and published modifications).

NM_000218.3(KCNQ1):c.1394-5806C>A

Genes: KCNQ1 (potassium voltage-gated channel subfamily Q member 1; plus strand), KCNQ1OT1 (KCNQ1 opposite strand/antisense transcript 1; minus strand). Cytogenetic location: 11p15.5.
Variant type: single nucleotide variant.
Coding change: c.1394-5806C>A on transcript NM_000218.3 (MANE Select); 5806 bases into the intron before coding-DNA position 1394, C replaced by A.
Molecular consequence: intron variant.
Genome position (GRCh38, 1-based): chr11:2,656,155, C>A. VCF-style: chr11-2656155-C-A. GRCh37 (hg19) VCF-style: chr11-2677385-C-A.
Other names: c.1394-5806C>A (NM_000218.2); c.1124-5806C>A (NM_001406837.1); c.1298-5806C>A (NM_001406836.1); c.854-5806C>A (NM_001406838.1); c.1013-5806C>A (NM_181798.2).
Identifiers: ClinVar variation 1711293 (VCV001711293.32), dbSNP rs139721699, ClinGen allele CA216166650.